The following is an entry in ClinVar:

NM_001365088.1(SLC12A6):c.2565G>A (p.Thr855=)

Genes: SLC12A6 (solute carrier family 12 member 6; minus strand), LOC126862097 (P300/CBP strongly-dependent group 1 enhancer GRCh37_chr15:34531007-34532206; plus strand). Cytogenetic location: 15q14.
Variant type: single nucleotide variant.
Coding change: c.2565G>A on transcript NM_001365088.1 (MANE Select); coding-DNA position 2565, G replaced by A.
Protein change: p.Thr855=; no amino-acid change (threonine 855 retained).
Molecular consequence: synonymous variant.
Genome position (GRCh38, 1-based): chr15:34,239,032, C>T on the plus strand (G>A on the coding strand, the complement: SLC12A6 is on the minus strand). VCF-style: chr15-34239032-C-T. GRCh37 (hg19) VCF-style: chr15-34531233-C-T.
Other names: c.2388G>A, p.Thr796= (NM_001042494.2, NM_001042495.2); c.2538G>A, p.Thr846= (NM_001042496.2); c.2520G>A, p.Thr840= (NM_001042497.2); c.2412G>A, p.Thr804= (NM_005135.2); c.2565G>A, p.Thr855= (NM_133647.2).
Identifiers: ClinVar variation 315608 (VCV000315608.45), dbSNP rs201062811, ClinGen allele CA7464063.
Genomic context (GRCh38, chr15:34,239,032, plus strand): 5'-AGTCTTCCAAGCGCGGGCATCTTCGCTTTGACGCCAGCCATTAGGCCAGCCCATCACCAC[C>T]GTGTTGTGCTTCATGCCCCCAAGGCCACATGACTGGATGAGGTGGGAAATGCCCTCTCTC-3'
Protein context (NP_001352017.1, residues 845-865): SCGLGGMKHN[Thr855=]VVMGWPNGWR

ClinVar aggregate classification (germline): Conflicting classifications of pathogenicity. Review status: criteria provided, conflicting classifications (1 of 4 stars). 7 submissions from 7 submitters: Uncertain significance (1); Benign (1); Likely benign (3). 2 of the submissions do not count toward it. Last evaluated 2026-02-02.

Conditions:
Inborn genetic diseases. Identifiers: MedGen C0950123, MeSH D030342.
SLC12A6-related disorder. Also called: SLC12A6-related condition.
Agenesis of the corpus callosum with peripheral neuropathy (ACCPN). Also called: POLYNEUROPATHY, SENSORIMOTOR, WITH OR WITHOUT AGENESIS OF THE CORPUS CALLOSUM; CHARLEVOIX DISEASE; Hereditary Motor and Sensory Neuropathy with Agenesis of the Corpus Callosum; HMSN/ACC. Identifiers: Orphanet 1496, MedGen C0795950, MONDO:0000902, OMIM 218000. Disease mechanism: loss of function.

Allele frequency attached by ClinVar (database versions not stated): ESP Exome Variant Server 0.00008; gnomAD 0.00013 and 0.00024; TOPMed 0.00015; 1000 Genomes Project 30x 0.00016; 1000 Genomes Project 0.00020; gnomAD exomes 0.00029 and 0.00031; ExAC 0.00030.
gnomAD v4.1: 484 of 1,614,198 alleles (0.03%); highest among the groups gnomAD compares: East Asian, 0.85%; 7 homozygotes.

Submissions (7):

Labcorp Genetics (formerly Invitae), Labcorp
Classification: Benign. Last evaluated: 2026-02-02. Review status: criteria provided, single submitter. Criteria: Invitae Variant Classification Sherloc (09022015). Collection method: clinical testing. Allele origin: germline.

CeGaT Center for Human Genetics Tuebingen
Classification: Likely benign. Last evaluated: 2025-02-01. Review status: criteria provided, single submitter. Criteria: CeGaT Center For Human Genetics Tuebingen Variant Classification Criteria Version 2. Collection method: clinical testing. Allele origin: germline. Affected: yes. Observed: 2 variant alleles.
Comment: SLC12A6: BP4, BP7

Genome-Nilou Lab
Classification: Likely benign for Agenesis of the corpus callosum with peripheral neuropathy. Last evaluated: 2021-07-15. Review status: criteria provided, single submitter. Criteria: ACMG Guidelines, 2015. Collection method: clinical testing. Allele origin: germline. Affected: no.

Ambry Genetics
Classification: Likely benign for Inborn genetic diseases. Last evaluated: 2019-05-31. Review status: criteria provided, single submitter. Criteria: Ambry Variant Classification Scheme 2023. Collection method: clinical testing. Allele origin: germline.

Illumina Laboratory Services, Illumina
Classification: Uncertain significance for Agenesis of the corpus callosum with peripheral neuropathy. Last evaluated: 2018-01-13. Review status: criteria provided, single submitter. Criteria: ICSL Variant Classification Criteria 13 December 2019. Collection method: clinical testing. Allele origin: germline.

PreventionGenetics, part of Exact Sciences
Classification: Likely benign for SLC12A6-related condition. Last evaluated: 2024-01-26. Review status: no assertion criteria provided. Collection method: clinical testing. Allele origin: germline. Not counted in ClinVar's aggregate classification.
Comment: This variant is classified as likely benign based on ACMG/AMP sequence variant interpretation guidelines (Richards et al. 2015 PMID: 25741868, with internal and published modifications).

Natera, Inc.
Classification: Uncertain significance for Andermann syndrome. Last evaluated: 2020-04-18. Review status: no assertion criteria provided. Collection method: clinical testing. Allele origin: germline. Not counted in ClinVar's aggregate classification.